The following is an entry in ClinVar:

NC_000005.9:g.(?_218434)_(226163_228299)dup

Gene: SDHA (succinate dehydrogenase complex flavoprotein subunit A; plus strand). Cytogenetic location: 5p15.33.
Variant type: Duplication.
Identifiers: ClinVar variation 4847044 (VCV004847044.1).

ClinVar aggregate classification (germline): Uncertain significance (1 of 4 stars; one submission).

Submission:

Women's Health and Genetics/Laboratory Corporation of America, LabCorp
Classification: Uncertain significance. Last evaluated: 2026-03-23. Review status: criteria provided, single submitter. Criteria: LabCorp Variant Classification Summary - May 2015. Collection method: clinical testing. Allele origin: germline.
Comment: Variant summary: The variant involves the duplication of exons 1-5 in the SDHA gene. A presumed nomenclature of c.(?_-37)_(621+1_622-1)dup has been designated for the purposes of this classification. The exact breakpoint at the 5' end of this variant is unknown, therefore this duplication may extend upstream of the annotated region of this gene. It is predicted to duplicate a segment including the initiation codon, therefore its impact on the encoded protein is unknown. The variant was absent in 21694 control chromosomes. The available data on variant occurrences in the general population are insufficient to allow any conclusion about variant significance. To our knowledge, no occurrence of c.(?_-37)_(621+1_622-1)dup in individuals affected with SDHA-related conditions and no experimental evidence demonstrating its impact on protein function have been reported. No submitters have cited clinical-significance assessments for this variant to ClinVar. Based on the evidence outlined above, the variant was classified as uncertain significance.